The following is an entry in ClinVar:

NM_001035.3(RYR2):c.3401C>A (p.Ala1134Asp)

Gene: RYR2 (ryanodine receptor 2; plus strand). Cytogenetic location: 1q43.
Variant type: single nucleotide variant.
Coding change: c.3401C>A on transcript NM_001035.3 (MANE Select); coding-DNA position 3401, C replaced by A.
Protein change: p.Ala1134Asp; replaces alanine 1134 with aspartic acid.
Molecular consequence: missense variant.
Genome position (GRCh38, 1-based): chr1:237,566,753, C>A. VCF-style: chr1-237566753-C-A. GRCh37 (hg19) VCF-style: chr1-237730053-C-A.
Other names: short protein forms A1134D.
Identifiers: ClinVar variation 1902811 (VCV001902811.7), dbSNP rs1319844305, ClinGen allele CA345398862.
Genomic context (GRCh38, chr1:237,566,753, plus strand): 5'-GGGTTGGTTGGAGTCGTCCTGGTTGTCAACCGGATCAGGAGCTTGGCTCAGATGAACGTG[C>A]CTTTGCCTTTGATGGCTTCAAGGTGAGTGGACTTTGTCCTGTGCCAGTCATCTGTACGTG-3'
Protein context (NP_001026.2, residues 1124-1144): PDQELGSDER[Ala1134Asp]FAFDGFKAQR

ClinVar aggregate classification (germline): Uncertain significance. Review status: criteria provided, multiple submitters, no conflicts (2 of 4 stars). 2 submissions from 2 submitters: Uncertain significance (2). Last evaluated 2024-03-07.

Conditions:
Cardiomyopathy (CMYO). Also called: Cardiomyopathies. Identifiers: Orphanet 167848, MedGen C0878544, MONDO:0004994, HP:0001638. Inheritance: Various modes of inheritance.
Catecholaminergic polymorphic ventricular tachycardia 1. Also called: RYR2-Related Catecholaminergic Polymorphic Ventricular Tachycardia; VENTRICULAR TACHYCARDIA, STRESS-INDUCED POLYMORPHIC 1; VENTRICULAR TACHYCARDIA, CATECHOLAMINERGIC POLYMORPHIC, 1, WITH OR WITHOUT ATRIAL DYSFUNCTION AND/OR DILATED CARDIOMYOPATHY. Identifiers: Orphanet 3286, MedGen C1631597, MONDO:0011484, OMIM 604772.

gnomAD v4.1: 2 of 1,613,978 alleles (0.00012%); highest among the groups gnomAD compares: Non-Finnish European, 0.00017%; no homozygotes.

Submissions (2):

Color Diagnostics, LLC DBA Color Health
Classification: Uncertain significance for Cardiomyopathy. Last evaluated: 2024-03-07. Review status: criteria provided, single submitter. Criteria: ACMG Guidelines, 2015. Collection method: clinical testing. Allele origin: germline.
Comment: This missense variant replaces alanine with aspartic acid at codon 1134 of the RYR2 protein. Computational prediction is inconclusive regarding the impact of this variant on protein structure and function (internally defined REVEL score threshold 0.5 < inconclusive < 0.7, PMID: 27666373). To our knowledge, functional studies have not been reported for this variant. This variant has not been reported in individuals affected with cardiovascular disorders in the literature. This variant has been identified in 1/249140 chromosomes in the general population by the Genome Aggregation Database (gnomAD). The available evidence is insufficient to determine the role of this variant in disease conclusively. Therefore, this variant is classified as a Variant of Uncertain Significance.

Labcorp Genetics (formerly Invitae), Labcorp
Classification: Uncertain significance for Catecholaminergic polymorphic ventricular tachycardia 1. Last evaluated: 2022-06-14. Review status: criteria provided, single submitter. Criteria: Invitae Variant Classification Sherloc (09022015). Collection method: clinical testing. Allele origin: germline.
Comment: This variant is present in population databases (no rsID available, gnomAD 0.0009%). In summary, the available evidence is currently insufficient to determine the role of this variant in disease. Therefore, it has been classified as a Variant of Uncertain Significance. Advanced modeling of protein sequence and biophysical properties (such as structural, functional, and spatial information, amino acid conservation, physicochemical variation, residue mobility, and thermodynamic stability) performed at Invitae indicates that this missense variant is not expected to disrupt RYR2 protein function. This variant has not been reported in the literature in individuals affected with RYR2-related conditions. This sequence change replaces alanine, which is neutral and non-polar, with aspartic acid, which is acidic and polar, at codon 1134 of the RYR2 protein (p.Ala1134Asp).